The following is an entry in ClinVar:

NM_005618.4(DLL1):c.949C>T (p.Arg317Trp)

Gene: DLL1 (delta like canonical Notch ligand 1; minus strand). Cytogenetic location: 6q27.
Variant type: single nucleotide variant.
Coding change: c.949C>T on transcript NM_005618.4 (MANE Select); coding-DNA position 949, C replaced by T.
Protein change: p.Arg317Trp; replaces arginine 317 with tryptophan.
Molecular consequence: missense variant.
Genome position (GRCh38, 1-based): chr6:170,285,337, G>A on the plus strand (C>T on the coding strand, the complement: DLL1 is on the minus strand). VCF-style: chr6-170285337-G-A. GRCh37 (hg19) VCF-style: chr6-170594425-G-A.
Other names: short protein forms R317W.
Identifiers: ClinVar variation 2909880 (VCV002909880.3), dbSNP rs199820107, ClinGen allele CA4106974.
Genomic context (GRCh38, chr6:170,285,337, plus strand): 5'-AAGGGCTGGGGTCACACTCGTCAATCCCCAGCTCGCAGGTGGCACCTGTGTACCCAGGCC[G>A]GCAAGAGCAAGTGTAGCTCCCCTGGCCCGTGTTGGTGCAGGTGGCTCCATTCTTGCAGGG-3'
Protein context (NP_005609.3, residues 307-327): TGQGSYTCSC[Arg317Trp]PGYTGATCEL

ClinVar aggregate classification (germline): Uncertain significance (1 of 4 stars; one submission).

Allele frequency attached by ClinVar (database versions not stated): gnomAD exomes 0.00002; ExAC 0.00003; gnomAD 0.00003; 1000 Genomes Project 0.00060; 1000 Genomes Project 30x 0.00062.

Submission:

Labcorp Genetics (formerly Invitae), Labcorp
Classification: Uncertain significance. Last evaluated: 2024-03-12. Review status: criteria provided, single submitter. Criteria: Invitae Variant Classification Sherloc (09022015). Collection method: clinical testing. Allele origin: germline.
Comment: This sequence change replaces arginine, which is basic and polar, with tryptophan, which is neutral and slightly polar, at codon 317 of the DLL1 protein (p.Arg317Trp). This variant is present in population databases (rs199820107, gnomAD 0.009%). This variant has not been reported in the literature in individuals affected with DLL1-related conditions. An algorithm developed to predict the effect of missense changes on protein structure and function (PolyPhen-2) suggests that this variant is likely to be disruptive. In summary, the available evidence is currently insufficient to determine the role of this variant in disease. Therefore, it has been classified as a Variant of Uncertain Significance.